The following is an entry in ClinVar:

NM_000187.4(HGD):c.342+1G>A

Gene: HGD (homogentisate 1,2-dioxygenase; minus strand). Cytogenetic location: 3q13.33.
Variant type: single nucleotide variant.
Coding change: c.342+1G>A on transcript NM_000187.4 (MANE Select); the canonical splice donor site of the intron after coding-DNA position 342, G replaced by A.
Molecular consequence: splice donor variant.
Genome position (GRCh38, 1-based): chr3:120,652,591, C>T on the plus strand (G>A on the coding strand, the complement: HGD is on the minus strand). VCF-style: chr3-120652591-C-T. GRCh37 (hg19) VCF-style: chr3-120371438-C-T.
Other names: IVS5+1G>A.
Identifiers: ClinVar variation 65577 (VCV000065577.8), dbSNP rs397515518, ClinGen allele CA344905.
Genomic context (GRCh38, chr3:120,652,591, plus strand): 5'-TGGCTCACTCACCACAGAAGAGAGGAGAGCAGTAGGGAGGGTGTGGATGGGACTGACTTA[C>T]ACTCACAAAGTCTACTTTCTTCTGAGATGCTTTTGGAATCTCAAATGGTTTCCATCTAAG-3'

ClinVar aggregate classification (germline): Pathogenic/Likely pathogenic. Review status: criteria provided, multiple submitters, no conflicts (2 of 4 stars). 5 submissions from 5 submitters: Pathogenic (1); Likely pathogenic (1). 3 of the submissions do not count toward it. Last evaluated 2024-01-23.

Conditions:
Alkaptonuria (AKU). Also called: Homogentisic acidura; Alkaptonuric ochronosis; Alcaptonuria; HOMOGENTISIC ACID OXIDASE DEFICIENCY. Identifiers: Orphanet 56, MedGen C0002066, MONDO:0008753, OMIM 203500.

Allele frequency attached by ClinVar (database versions not stated): TOPMed 0.00002.
gnomAD v4.1: 6 of 1,610,356 alleles (0.00037%); highest among the groups gnomAD compares: Admixed American, 0.0017%; no homozygotes.

Submissions (5):

Fulgent Genetics
Classification: Pathogenic for Alkaptonuria. Last evaluated: 2024-01-23. Review status: criteria provided, single submitter. Criteria: ACMG Guidelines, 2015. Collection method: clinical testing. Allele origin: germline.

Department of Pathology and Laboratory Medicine, Sinai Health System
Classification: Likely pathogenic for alkaptonuria. Last evaluated: 2022-11-14. Review status: criteria provided, single submitter. Criteria: ACMG Guidelines, 2015. Collection method: research. Allele origin: germline.

Counsyl
Classification: Likely pathogenic for Alkaptonuria. Last evaluated: 2016-03-09. Review status: no assertion criteria provided. Collection method: clinical testing. Allele origin: unknown. Not counted in ClinVar's aggregate classification.

Department Of Human Genetics, Institute Of Clinical And Translational Research, Biomedical Research Center, Slovak Academy Of Sciences
Classification: Pathogenic for Alkaptonuria. Review status: no assertion criteria provided. Collection method: research. Allele origin: germline. Inheritance: Autosomal recessive inheritance. Affected: yes. Observed: 9 variant alleles. Not counted in ClinVar's aggregate classification.
Comment: The variant was originally described in AKU patient in PMID:10482952. It has been submitted to the HGD gene mutation database (DB-ID: AKU_00025).

GeneReviews
No classification provided. Condition: Alkaptonuria. Review status: no classification provided. Collection method: literature only. Allele origin: germline. Not counted in ClinVar's aggregate classification.
Comment: Mutational hot spot in the Slovak population

Literature cited by the submitters: PubMed 10482952 (cited by Department Of Human Genetics, Institute Of Clinical And Translational Research, Biomedical Research Center, Slovak Academy Of Sciences); PubMed 11017803 (cited by GeneReviews); PubMed 20301627 (cited by GeneReviews).